The following is an entry in ClinVar:

ClinVar aggregate classification (germline): Uncertain significance (1 of 4 stars; one submission).

gnomAD v4.1: 1 of 1,613,440 alleles (0.000062%); highest among the groups gnomAD compares: Non-Finnish European, 0.000085%; no homozygotes.

Submission:

Labcorp Genetics (formerly Invitae), Labcorp
Classification: Uncertain significance. Last evaluated: 2024-05-17. Review status: criteria provided, single submitter. Criteria: Invitae Variant Classification Sherloc (09022015). Collection method: clinical testing. Allele origin: germline.
Comment: This sequence change replaces arginine, which is basic and polar, with histidine, which is basic and polar, at codon 668 of the CACNA1E protein (p.Arg668His). This variant is not present in population databases (gnomAD no frequency). This variant has not been reported in the literature in individuals affected with CACNA1E-related conditions. Advanced modeling of protein sequence and biophysical properties (such as structural, functional, and spatial information, amino acid conservation, physicochemical variation, residue mobility, and thermodynamic stability) has been performed at Invitae for this missense variant, however the output from this modeling did not meet the statistical confidence thresholds required to predict the impact of this variant on CACNA1E protein function. In summary, the available evidence is currently insufficient to determine the role of this variant in disease. Therefore, it has been classified as a Variant of Uncertain Significance.

NM_001205293.3(CACNA1E):c.2003G>A (p.Arg668His)

Gene: CACNA1E (calcium voltage-gated channel subunit alpha1 E; plus strand). Cytogenetic location: 1q25.3.
Variant type: single nucleotide variant.
Coding change: c.2003G>A on transcript NM_001205293.3 (MANE Select); coding-DNA position 2003, G replaced by A.
Protein change: p.Arg668His; replaces arginine 668 with histidine.
Molecular consequence: missense variant.
Genome position (GRCh38, 1-based): chr1:181,721,804, G>A. VCF-style: chr1-181721804-G-A. GRCh37 (hg19) VCF-style: chr1-181690940-G-A.
Other names: c.2003G>A, p.Arg668His (NM_000721.4, NM_001205294.2); short protein forms R668H.
Identifiers: ClinVar variation 3692346 (VCV003692346.2).